The following is an entry in ClinVar:

ClinVar aggregate classification (germline): Uncertain significance. Review status: criteria provided, multiple submitters, no conflicts (2 of 4 stars). 6 submissions from 6 submitters: Uncertain significance (6). Last evaluated 2025-12-13.

Conditions:
Cardiovascular phenotype. Identifiers: MedGen CN230736.
Arrhythmogenic right ventricular dysplasia 2. Identifiers: MedGen C1832931.
Catecholaminergic polymorphic ventricular tachycardia 1. Also called: VENTRICULAR TACHYCARDIA, CATECHOLAMINERGIC POLYMORPHIC, 1, WITH OR WITHOUT ATRIAL DYSFUNCTION AND/OR DILATED CARDIOMYOPATHY; RYR2-Related Catecholaminergic Polymorphic Ventricular Tachycardia; VENTRICULAR TACHYCARDIA, STRESS-INDUCED POLYMORPHIC 1. Identifiers: Orphanet 3286, MedGen C1631597, MONDO:0011484, OMIM 604772.
Ventricular arrhythmias due to cardiac ryanodine receptor calcium release deficiency syndrome. Also called: Autosomal dominant cardiac arrhythmia (Kuhn). Identifiers: MedGen C5542154, MONDO:0020745, OMIM 115000.
Catecholaminergic polymorphic ventricular tachycardia (CVPT). Also called: Catecholamine-induced polymorphic ventricular tachycardia. Identifiers: Orphanet 3286, MedGen C5574922, MONDO:0017990.
Cardiomyopathy (CMYO). Also called: Cardiomyopathies. Identifiers: Orphanet 167848, MedGen C0878544, MONDO:0004994, HP:0001638. Inheritance: Various modes of inheritance.

Allele frequency attached by ClinVar (database versions not stated): TOPMed 0.00001.
gnomAD v4.1: 20 of 1,613,860 alleles (0.0012%); highest among the groups gnomAD compares: East Asian, 0.0022%; no homozygotes.

Submissions (6):

Labcorp Genetics (formerly Invitae), Labcorp
Classification: Uncertain significance for Catecholaminergic polymorphic ventricular tachycardia 1. Last evaluated: 2025-12-13. Review status: criteria provided, single submitter. Criteria: Invitae Variant Classification Sherloc (09022015). Collection method: clinical testing. Allele origin: germline.
Comment: This sequence change replaces arginine, which is basic and polar, with cysteine, which is neutral and slightly polar, at codon 1941 of the RYR2 protein (p.Arg1941Cys). This variant is present in population databases (rs754811291, gnomAD 0.004%). This variant has not been reported in the literature in individuals affected with RYR2-related conditions. ClinVar contains an entry for this variant (Variation ID: 918942). Invitae Evidence Modeling of protein sequence and biophysical properties (such as structural, functional, and spatial information, amino acid conservation, physicochemical variation, residue mobility, and thermodynamic stability) indicates that this missense variant is not expected to disrupt RYR2 protein function with a negative predictive value of 95%. In summary, the available evidence is currently insufficient to determine the role of this variant in disease. Therefore, it has been classified as a Variant of Uncertain Significance.

Color Diagnostics, LLC DBA Color Health
Classification: Uncertain significance for Cardiomyopathy. Last evaluated: 2025-10-07. Review status: criteria provided, single submitter. Criteria: ACMG Guidelines, 2015. Collection method: clinical testing. Allele origin: germline.
Comment: This missense variant replaces arginine with cysteine at codon 1941 of the RYR2 protein. Computational prediction suggests that this variant may not impact protein structure and function. To our knowledge, functional studies have not been reported for this variant. This variant has not been reported in individuals affected with RYR2-related disorders in the literature. This variant has been identified in 20/1613860 chromosomes in the general population by the Genome Aggregation Database (gnomAD). The available evidence is insufficient to determine the role of this variant in disease conclusively. Therefore, this variant is classified as a Variant of Uncertain Significance.

Ambry Genetics
Classification: Uncertain significance for Cardiovascular phenotype. Last evaluated: 2024-11-12. Review status: criteria provided, single submitter. Criteria: Ambry Variant Classification Scheme 2023. Collection method: clinical testing. Allele origin: germline.
Comment: The p.R1941C variant (also known as c.5821C>T), located in coding exon 38 of the RYR2 gene, results from a C to T substitution at nucleotide position 5821. The arginine at codon 1941 is replaced by cysteine, an amino acid with highly dissimilar properties. This variant has been detected in individuals from sudden death and dilated cardiomyopathy cohorts; however, details were limited (Dal Ferro M et al. Heart. 2017 Nov;103(21):1704-1710; Quenin P et al. Circ Arrhythm Electrophysiol. 2017 Sep;10(9)). This amino acid position is well conserved in available vertebrate species. In addition, the in silico prediction for this alteration is inconclusive. Based on the available evidence, the clinical significance of this variant remains unclear.

GeneDx
Classification: Uncertain significance. Last evaluated: 2024-05-28. Review status: criteria provided, single submitter. Criteria: GeneDx Variant Classification Process June 2021. Collection method: clinical testing. Allele origin: germline. Affected: yes.
Comment: Identified in patients with unexplained sudden cardiac death (SCD) and DCM in published literature (PMID: 28416588, 28912206); Not observed at significant frequency in large population cohorts (gnomAD); Not located in one of the three hot-spot regions of the RYR2 gene, where the majority of pathogenic missense variants occur (PMID: 19926015); In silico analysis supports that this missense variant has a deleterious effect on protein structure/function; This variant is associated with the following publications: (PMID: 28912206, 28416588, 19926015)

All of Us Research Program, National Institutes of Health
Classification: Uncertain significance for Catecholaminergic polymorphic ventricular tachycardia. Last evaluated: 2024-01-08. Review status: criteria provided, single submitter. Criteria: ACMG Guidelines, 2015. Collection method: clinical testing. Allele origin: germline. Inheritance: Autosomal dominant inheritance. Observed: 7 variant alleles, 7 heterozygotes.
Comment: This missense variant replaces arginine with cysteine at codon 1941 of the RYR2 protein. Computational prediction suggests that this variant may not impact protein structure and function (internally defined REVEL score threshold <= 0.5, PMID: 27666373). To our knowledge, functional studies have not been reported for this variant. This variant has not been reported in individuals affected with cardiovascular disorders in the literature. This variant has been identified in 4/248956 chromosomes in the general population by the Genome Aggregation Database (gnomAD). The available evidence is insufficient to determine the role of this variant in disease conclusively. Therefore, this variant is classified as a Variant of Uncertain Significance.

This study involves interpretation of variants in research participants for the purpose of population health screening. Participant phenotype was not available at the time of variant classification. Additional details can be found in publication PMID: 35346344, PMCID: PMC8962531

Fulgent Genetics
Classification: Uncertain significance for Ventricular arrhythmias due to cardiac ryanodine receptor calcium release deficiency syndrome; Catecholaminergic polymorphic ventricular tachycardia 1. Last evaluated: 2021-08-11. Review status: criteria provided, single submitter. Criteria: ACMG Guidelines, 2015. Collection method: clinical testing. Allele origin: unknown.

NM_001035.3(RYR2):c.5821C>T (p.Arg1941Cys)

Gene: RYR2 (ryanodine receptor 2; plus strand). Cytogenetic location: 1q43.
Variant type: single nucleotide variant.
Coding change: c.5821C>T on transcript NM_001035.3 (MANE Select); coding-DNA position 5821, C replaced by T.
Protein change: p.Arg1941Cys; replaces arginine 1941 with cysteine.
Molecular consequence: missense variant.
Genome position (GRCh38, 1-based): chr1:237,617,391, C>T. VCF-style: chr1-237617391-C-T. GRCh37 (hg19) VCF-style: chr1-237780691-C-T.
Other names: c.5821C>T (NM_001035.2); short protein forms R1941C.
Identifiers: ClinVar variation 918942 (VCV000918942.19), dbSNP rs754811291, ClinGen allele CA086979.